The following is an entry in ClinVar:

NM_017882.3(CLN6):c.240T>C (p.Ser80=)

Gene: CLN6 (CLN6 transmembrane ER protein; minus strand). Cytogenetic location: 15q23.
Variant type: single nucleotide variant.
Coding change: c.240T>C on transcript NM_017882.3 (MANE Select); coding-DNA position 240, T replaced by C.
Protein change: p.Ser80=; no amino-acid change (serine 80 retained).
Molecular consequence: synonymous variant.
Genome position (GRCh38, 1-based): chr15:68,214,347, A>G on the plus strand (T>C on the coding strand, the complement: CLN6 is on the minus strand). VCF-style: chr15-68214347-A-G. GRCh37 (hg19) VCF-style: chr15-68506685-A-G.
Identifiers: ClinVar variation 508954 (VCV000508954.12), dbSNP rs1395492951, ClinGen allele CA490913980.

ClinVar aggregate classification (germline): Likely benign. Review status: criteria provided, multiple submitters, no conflicts (2 of 4 stars). 2 submissions from 2 submitters: Likely benign (2). Last evaluated 2024-04-05.

Conditions:
Neuronal ceroid lipofuscinosis. Also called: Neuronal Ceroid Lipofuscinoses. Identifiers: Orphanet 216, Orphanet 79263, MedGen C0027877, MONDO:0016295. Disease mechanism: loss of function.

Allele frequency attached by ClinVar (database versions not stated): gnomAD 0.00001; gnomAD exomes 0.00001 and 0.00004; TOPMed 0.00001.

Submissions (2):

Labcorp Genetics (formerly Invitae), Labcorp
Classification: Likely benign for Neuronal ceroid lipofuscinosis. Last evaluated: 2024-04-05. Review status: criteria provided, single submitter. Criteria: Invitae Variant Classification Sherloc (09022015). Collection method: clinical testing. Allele origin: germline.

GeneDx
Classification: Likely benign. Last evaluated: 2017-04-18. Review status: criteria provided, single submitter. Criteria: GeneDx Variant Classification (06012015). Collection method: clinical testing. Allele origin: germline. Affected: yes.
Comment: This variant is considered likely benign or benign based on one or more of the following criteria: it is a conservative change, it occurs at a poorly conserved position in the protein, it is predicted to be benign by multiple in silico algorithms, and/or has population frequency not consistent with disease.